The following is an entry in ClinVar:

ClinVar aggregate classification (germline): Uncertain significance (1 of 4 stars; one submission).

Submission:

Women's Health and Genetics/Laboratory Corporation of America, LabCorp
Classification: Uncertain significance. Last evaluated: 2024-10-25. Review status: criteria provided, single submitter. Criteria: LabCorp Variant Classification Summary - May 2015. Collection method: clinical testing. Allele origin: germline.
Comment: Variant summary: PCCA c.425G>C (p.Gly142Ala) results in a non-conservative amino acid change located in the Biotin carboxylase-like, N-terminal domain (IPR005481) of the encoded protein sequence. Five of five in-silico tools predict a damaging effect of the variant on protein function. The variant was absent in 251088 control chromosomes. The available data on variant occurrences in the general population are insufficient to allow any conclusion about variant significance. To our knowledge, no occurrence of c.425G>C in individuals affected with Propionic Acidemia and no experimental evidence demonstrating its impact on protein function have been reported. No submitters have cited clinical-significance assessments for this variant to ClinVar. Based on the evidence outlined above, the variant was classified as uncertain significance.

NM_000282.4(PCCA):c.425G>C (p.Gly142Ala)

Gene: PCCA (propionyl-CoA carboxylase subunit alpha; plus strand). Cytogenetic location: 13q32.3.
Variant type: single nucleotide variant.
Coding change: c.425G>C on transcript NM_000282.4 (MANE Select); coding-DNA position 425, G replaced by C.
Protein change: p.Gly142Ala; replaces glycine 142 with alanine.
Molecular consequence: missense variant. On other transcripts: 5 prime UTR variant (3), non-coding transcript variant (5).
Genome position (GRCh38, 1-based): chr13:100,157,297, G>C. VCF-style: chr13-100157297-G-C. GRCh37 (hg19) VCF-style: chr13-100809551-G-C.
Other names: c.347G>C, p.Gly116Ala (NM_001127692.3, NM_001352607.2, NM_001352608.2); c.425G>C, p.Gly142Ala (NM_001178004.2, NM_001352605.2, NM_001352606.2 and 1 more transcripts); c.-442G>C (NM_001352610.2, NM_001352611.2, NM_001352612.2); short protein forms G116A, G142A.
Identifiers: ClinVar variation 3385077 (VCV003385077.1).